The following is an entry in ClinVar:

ClinVar aggregate classification (germline): Benign/Likely benign. Review status: criteria provided, multiple submitters, no conflicts (2 of 4 stars). 8 submissions from 8 submitters: Benign (1); Likely benign (6). 1 of the submissions does not count toward it. Last evaluated 2026-06-01.

Conditions:
MYH14-related disorder. Also called: MYH14-related condition.
Autosomal dominant nonsyndromic hearing loss 4A. Also called: Deafness, autosomal dominant 4A. Identifiers: Orphanet 90635, MedGen C1833503, MONDO:0010915, OMIM 600652.

Allele frequency attached by ClinVar (database versions not stated): 1000 Genomes Project 0.00040; ESP Exome Variant Server 0.00041; gnomAD exomes 0.00043; ExAC 0.00044; 1000 Genomes Project 30x 0.00047; gnomAD 0.00098 and 0.00107; TOPMed 0.00100.
gnomAD v4.1: 575 of 1,612,528 alleles (0.036%); highest among the groups gnomAD compares: African/African-American, 0.25%; no homozygotes.

Submissions (8):

CeGaT Center for Human Genetics Tuebingen
Classification: Likely benign. Last evaluated: 2026-06-01. Review status: criteria provided, single submitter. Criteria: CeGaT Center For Human Genetics Tuebingen Variant Classification Criteria Version 2. Collection method: clinical testing. Allele origin: germline. Affected: yes. Observed: 2 variant alleles.
Comment: MYH14: BS1

Labcorp Genetics (formerly Invitae), Labcorp
Classification: Likely benign. Last evaluated: 2025-10-27. Review status: criteria provided, single submitter. Criteria: Invitae Variant Classification Sherloc (09022015). Collection method: clinical testing. Allele origin: germline.

Mayo Clinic Laboratories, Mayo Clinic
Classification: Likely benign. Last evaluated: 2025-04-29. Review status: criteria provided, single submitter. Criteria: ACMG Guidelines, 2015. Collection method: clinical testing. Allele origin: germline. Observed: 3 variant alleles.
Comment: BS1, BP4

Laboratory of Genetics, Children's Clinical University Hospital Latvia
Classification: Benign. Last evaluated: 2025-02-16. Review status: criteria provided, single submitter. Criteria: ACMG Guidelines, 2015. Collection method: clinical testing. Allele origin: germline. Affected: yes.

GeneDx
Classification: Likely benign. Last evaluated: 2021-03-11. Review status: criteria provided, single submitter. Criteria: GeneDx Variant Classification Process June 2021. Collection method: clinical testing. Allele origin: germline. Affected: yes.

Illumina Laboratory Services, Illumina
Classification: Likely benign for Autosomal dominant nonsyndromic hearing loss 4A. Last evaluated: 2018-01-12. Review status: criteria provided, single submitter. Criteria: ICSL Variant Classification Criteria 13 December 2019. Collection method: clinical testing. Allele origin: germline.
Comment: This variant was observed in the ICSL laboratory as part of a predisposition screen in an ostensibly healthy population. It had not been previously curated by ICSL or reported in the Human Gene Mutation Database (HGMD: prior to June 1st, 2018), and was therefore a candidate for classification through an automated scoring system. Utilizing variant allele frequency, disease prevalence and penetrance estimates, and inheritance mode, an automated score was calculated to assess if this variant is too frequent to cause the disease. Based on the score and internal cut-off values, a variant classified as likely benign is not then subjected to further curation. The score for this variant resulted in a classification of likely benign for this disease.

Laboratory for Molecular Medicine, Mass General Brigham Personalized Medicine
Classification: Likely benign. Last evaluated: 2016-04-08. Review status: criteria provided, single submitter. Criteria: LMM Criteria. Collection method: clinical testing. Allele origin: germline. Observed: 2 variant alleles.
Comment: p.Val1473Met in exon 33 of MYH14: This variant is not expected to have clinical significance because it has been identified in 0.3% (21/7786) of African chromos omes, including 1 homozygote, by the Exome Aggregation Consortium (ExAC; dbSNP rs112716976).

PreventionGenetics, part of Exact Sciences
Classification: Likely benign for MYH14-related condition. Last evaluated: 2020-04-02. Review status: no assertion criteria provided. Collection method: clinical testing. Allele origin: germline. Not counted in ClinVar's aggregate classification.
Comment: This variant is classified as likely benign based on ACMG/AMP sequence variant interpretation guidelines (Richards et al. 2015 PMID: 25741868, with internal and published modifications).

NM_001145809.2(MYH14):c.4417G>A (p.Val1473Met)

Gene: MYH14 (myosin heavy chain 14; plus strand). Cytogenetic location: 19q13.33.
Variant type: single nucleotide variant.
Coding change: c.4417G>A on transcript NM_001145809.2 (MANE Select); coding-DNA position 4417, G replaced by A.
Protein change: p.Val1473Met; replaces valine 1473 with methionine.
Molecular consequence: missense variant.
Genome position (GRCh38, 1-based): chr19:50,281,720, G>A. VCF-style: chr19-50281720-G-A. GRCh37 (hg19) VCF-style: chr19-50784977-G-A.
Other names: p.Val1432Met; c.4318G>A, p.Val1440Met (NM_001077186.2); c.4294G>A, p.Val1432Met (NM_024729.4); short protein forms V1473M, V1432M, V1440M.
Identifiers: ClinVar variation 227579 (VCV000227579.36), dbSNP rs112716976, ClinGen allele CA9593501.